The following is an entry in ClinVar:

ClinVar aggregate classification (germline): Conflicting classifications of pathogenicity. Review status: criteria provided, conflicting classifications (1 of 4 stars). 22 submissions from 22 submitters: Uncertain significance (1); Benign (5); Likely benign (12). 4 of the submissions do not count toward it. Last evaluated 2026-02-04.

Conditions:
APC-Associated Polyposis Disorders.
Hereditary cancer-predisposing syndrome. Also called: Tumor predisposition; Hereditary neoplastic syndrome; Neoplastic Syndromes, Hereditary; Hereditary Cancer Syndrome. Identifiers: Orphanet 140162, MedGen C0027672, MeSH D009386, MONDO:0015356.
Familial adenomatous polyposis 1 (FAP1). Also called: FAMILIAL ADENOMATOUS POLYPOSIS 1, ATTENUATED; POLYPOSIS, ADENOMATOUS INTESTINAL. Identifiers: MedGen C2713442, MONDO:0021056, OMIM 175100. Disease mechanism: loss of function.
Desmoid disease, hereditary (DESMD). Also called: FIBROMATOSIS, FAMILIAL INFILTRATIVE. Identifiers: Orphanet 873, MedGen C1851124, OMIM 135290. Disease mechanism: loss of function.

Allele frequency attached by ClinVar (database versions not stated): ESP Exome Variant Server 0.00023; gnomAD 0.00028 and 0.00031; ExAC 0.00033; gnomAD exomes 0.00037; TOPMed 0.00037.
gnomAD v4.1: 907 of 1,613,856 alleles (0.056%); highest among the groups gnomAD compares: Non-Finnish European, 0.073%; no homozygotes.

Submissions (22):

Labcorp Genetics (formerly Invitae), Labcorp
Classification: Benign for Familial adenomatous polyposis 1. Last evaluated: 2026-02-04. Review status: criteria provided, single submitter. Criteria: Invitae Variant Classification Sherloc (09022015). Collection method: clinical testing. Allele origin: germline.

Center for Genomic Medicine, Rigshospitalet, Copenhagen University Hospital
Classification: Likely benign. Last evaluated: 2025-03-04. Review status: criteria provided, single submitter. Criteria: ACMG Guidelines, 2015. Collection method: clinical testing. Allele origin: germline.

Myriad Genetics, Inc.
Classification: Likely benign for Familial adenomatous polyposis 1. Last evaluated: 2025-02-04. Review status: criteria provided, single submitter. Criteria: Myriad Autosomal Dominant, Autosomal Recessive and X-Linked Classification Criteria (2023). Collection method: clinical testing. Allele origin: unknown.
Comment: This variant is considered likely benign. This variant has been observed at a population frequency that is significantly greater than expected given the associated disease prevalence and penetrance.

Dasa
Classification: Likely benign. Last evaluated: 2025-01-17. Review status: criteria provided, single submitter. Criteria: DASA Assertion Criteria. Collection method: clinical testing. Allele origin: germline.
Comment: NM_000038.6(APC):c.7490C>T (p.Ser2497Leu) is interpreted based on available population and clinical evidence, including population frequency and no convincing observation in affected individuals. Based on the available data, this variant is classified as likely benign.

Blueprint Genetics
Classification: Likely benign. Last evaluated: 2024-10-08. Review status: criteria provided, single submitter. Criteria: ACMG Guidelines, 2015. Collection method: clinical testing. Allele origin: germline.

Color Diagnostics, LLC DBA Color Health
Classification: Likely benign for Hereditary cancer-predisposing syndrome. Last evaluated: 2024-09-24. Review status: criteria provided, single submitter. Criteria: ACMG Guidelines, 2015. Collection method: clinical testing. Allele origin: germline.

Mendelics
Classification: Benign for Familial adenomatous polyposis 1. Last evaluated: 2023-08-22. Review status: criteria provided, single submitter. Criteria: Mendelics Assertion Criteria 2019. Collection method: clinical testing. Allele origin: germline.

Department of Pathology and Laboratory Medicine, Sinai Health System
Classification: Likely benign for Desmoid disease, hereditary. Last evaluated: 2023-02-23. Review status: criteria provided, single submitter. Criteria: ACMG Guidelines, 2015. Collection method: clinical testing. Allele origin: germline. Affected: yes.

CeGaT Center for Human Genetics Tuebingen
Classification: Uncertain significance. Last evaluated: 2022-01-01. Review status: criteria provided, single submitter. Criteria: CeGaT Center For Human Genetics Tuebingen Variant Classification Criteria Version 2. Collection method: clinical testing. Allele origin: germline. Affected: yes. Observed: 2 variant alleles.

Institute for Clinical Genetics, University Hospital TU Dresden, University Hospital TU Dresden
Classification: Likely benign. Last evaluated: 2021-11-03. Review status: criteria provided, single submitter. Criteria: ACMG Guidelines, 2015. Collection method: clinical testing. Allele origin: germline.

Genetic Services Laboratory, University of Chicago
Classification: Likely benign. Last evaluated: 2021-04-30. Review status: criteria provided, single submitter. Criteria: ACMG Guidelines, 2015. Collection method: clinical testing. Allele origin: germline. Affected: no.

ARUP Laboratories, Molecular Genetics and Genomics, ARUP Laboratories
Classification: Likely benign. Last evaluated: 2021-04-06. Review status: criteria provided, single submitter. Criteria: ARUP Molecular Germline Variant Investigation Process 2021. Collection method: clinical testing. Allele origin: germline.

GeneDx
Classification: Likely benign. Last evaluated: 2020-08-25. Review status: criteria provided, single submitter. Criteria: GeneDx Variant Classification Process June 2021. Collection method: clinical testing. Allele origin: germline. Affected: yes.
Comment: This variant is associated with the following publications: (PMID: 24728327, 25801821, 23910461, 11818965, 28389531)

Sema4
Classification: Benign for Hereditary cancer-predisposing syndrome. Last evaluated: 2020-06-10. Review status: criteria provided, single submitter. Criteria: Sema4 Curation Guidelines. Collection method: curation. Allele origin: germline.

Quest Diagnostics Nichols Institute San Juan Capistrano
Classification: Likely benign. Last evaluated: 2020-02-21. Review status: criteria provided, single submitter. Criteria: Quest Diagnostics criteria. Collection method: clinical testing. Allele origin: unknown.

Illumina Laboratory Services, Illumina
Classification: Likely benign for APC-Associated Polyposis Disorders. Last evaluated: 2019-02-19. Review status: criteria provided, single submitter. Criteria: ICSL Variant Classification Criteria 13 December 2019. Collection method: clinical testing. Allele origin: germline.
Comment: This variant was observed as part of a predisposition screen in an ostensibly healthy population. A literature search was performed for the gene, cDNA change, and amino acid change (where applicable). Publications were found based on this search. The evidence from the literature, in combination with allele frequency data from public databases where available, was sufficient to determine this variant is unlikely to cause disease. Therefore, this variant is classified as likely benign.

Women's Health and Genetics/Laboratory Corporation of America, LabCorp
Classification: Benign. Last evaluated: 2016-03-25. Review status: criteria provided, single submitter. Criteria: LabCorp Variant Classification Summary - May 2015. Collection method: clinical testing. Allele origin: germline.
Comment: Variant Summary: The c.7490C>T variant involves the alteration of a conserved nucleotide and 3/4 in silico tools predict a neutral outcome. The variant was observed in the large and broad cohorts of the ExAC project at an allele frequency of 0.033%, predominantly observed in the European (Non-Finnish) subpopulation at a frequency of 0.055%. This frequency exceeds the maximal expected allele frequency for a pathogenic variant in APC (0.006%), suggesting this is a benign polymorphism found primarily in population(s) of European origin. The variant was reported in a family affected by multiple colorectal adenomas and carcinoma, however was absent in two affected members and was present in 3 unaffected members, showing lack of segregation of the variant with disease (Al-Tassan_2002). While one reputable clinical lab has classified the variant as likely benign, others have classified it as a VUS. Considering the relatively high frequency of this variant in the general population as well as the lack of segregation seen in an affected family, this variant has been classified as Benign.

Ambry Genetics
Classification: Benign for Hereditary cancer-predisposing syndrome. Last evaluated: 2015-09-12. Review status: criteria provided, single submitter. Criteria: Ambry Variant Classification Scheme 2023. Collection method: clinical testing. Allele origin: germline.

ITMI
No classification provided. Condition: AllHighlyPenetrant. Last evaluated: 2013-09-19. Review status: no classification provided. Collection method: reference population. Allele origin: germline. Not counted in ClinVar's aggregate classification.
Comment: Please see associated publication for description of ethnicities

Clinical Genetics, Academic Medical Center
Classification: Likely benign. Review status: no assertion criteria provided. Collection method: clinical testing. Allele origin: germline. Affected: yes. Study: VKGL Data-share Consensus. Not counted in ClinVar's aggregate classification.

Diagnostic Laboratory, Department of Genetics, University Medical Center Groningen
Classification: Likely benign. Review status: no assertion criteria provided. Collection method: clinical testing. Allele origin: germline. Affected: yes. Study: VKGL Data-share Consensus. Not counted in ClinVar's aggregate classification.

Joint Genome Diagnostic Labs from Nijmegen and Maastricht, Radboudumc and MUMC+
Classification: Likely benign. Review status: no assertion criteria provided. Collection method: clinical testing. Allele origin: germline. Affected: yes. Study: VKGL Data-share Consensus. Not counted in ClinVar's aggregate classification.

Literature cited by the submitters: PubMed 11818965 (cited by 4 submitters); PubMed 24728327 (cited by 5 submitters); PubMed 29386312 (cited by Quest Diagnostics Nichols Institute San Juan Capistrano); PubMed 23910461 (cited by Quest Diagnostics Nichols Institute San Juan Capistrano and Women's Health and Genetics/Laboratory Corporation of America, LabCorp).

NM_000038.6(APC):c.7490C>T (p.Ser2497Leu)

Gene: APC (APC regulator of Wnt signaling pathway; plus strand). Cytogenetic location: 5q22.2.
Variant type: single nucleotide variant.
Coding change: c.7490C>T on transcript NM_000038.6 (MANE Select); coding-DNA position 7490, C replaced by T.
Protein change: p.Ser2497Leu; replaces serine 2497 with leucine.
Molecular consequence: missense variant.
Genome position (GRCh38, 1-based): chr5:112,843,084, C>T. VCF-style: chr5-112843084-C-T. GRCh37 (hg19) VCF-style: chr5-112178781-C-T.
Other names: p.S2497L:TCG>TTG; c.7490C>T, p.Ser2497Leu (NM_001127510.3, NM_001354895.2); c.7436C>T, p.Ser2479Leu (NM_001127511.3); c.7544C>T, p.Ser2515Leu (NM_001354896.2); c.7520C>T, p.Ser2507Leu (NM_001354897.2); c.7415C>T, p.Ser2472Leu (NM_001354898.2); c.7406C>T, p.Ser2469Leu (NM_001354899.2); c.7367C>T, p.Ser2456Leu (NM_001354900.2); and 6 more; short protein forms S2479L, S2497L, S2337L, S2507L, S2371L, S2438L, S2214L, S2396L.
Identifiers: ClinVar variation 133522 (VCV000133522.91), dbSNP rs141010008, ClinGen allele CA013717.